The following is an entry in ClinVar:

NM_001267550.2(TTN):c.43078G>A (p.Ala14360Thr)

Gene: TTN (titin; minus strand). Cytogenetic location: 2q31.2.
Variant type: single nucleotide variant.
Coding change: c.43078G>A on transcript NM_001267550.2 (MANE Select); coding-DNA position 43078, G replaced by A.
Protein change: p.Ala14360Thr; replaces alanine 14360 with threonine.
Molecular consequence: missense variant.
Genome position (GRCh38, 1-based): chr2:178,633,195, C>T on the plus strand (G>A on the coding strand, the complement: TTN is on the minus strand). VCF-style: chr2-178633195-C-T. GRCh37 (hg19) VCF-style: chr2-179497922-C-T.
Other names: c.38155G>A, p.Ala12719Thr (NM_001256850.1); c.15883G>A, p.Ala5295Thr (NM_003319.4); c.35374G>A, p.Ala11792Thr (NM_133378.4); c.16258G>A, p.Ala5420Thr (NM_133432.3); c.16459G>A, p.Ala5487Thr (NM_133437.4); short protein forms A14360T, A5295T, A5420T, A5487T, A11792T, A12719T.
Identifiers: ClinVar variation 1775839 (VCV001775839.2), dbSNP rs2471498590, ClinGen allele CA349652538.

ClinVar aggregate classification (germline): Uncertain significance (1 of 4 stars; one submission).

Conditions:
Cardiovascular phenotype. Identifiers: MedGen CN230736.

Submission:

Ambry Genetics
Classification: Uncertain significance for Cardiovascular phenotype. Last evaluated: 2019-09-04. Review status: criteria provided, single submitter. Criteria: Ambry Variant Classification Scheme 2023. Collection method: clinical testing. Allele origin: germline.
Comment: The p.A5295T variant (also known as c.15883G>A), located in coding exon 60 of the TTN gene, results from a G to A substitution at nucleotide position 15883. The alanine at codon 5295 is replaced by threonine, an amino acid with similar properties. This amino acid position is not well conserved in available vertebrate species. In addition, this alteration is predicted to be tolerated by in silico analysis. Since supporting evidence is limited at this time, the clinical significance of this alteration remains unclear.